The following is an entry in ClinVar:

NM_005419.4(STAT2):c.2446A>C (p.Met816Leu)

Gene: STAT2 (signal transducer and activator of transcription 2; minus strand). Cytogenetic location: 12q13.3.
Variant type: single nucleotide variant.
Coding change: c.2446A>C on transcript NM_005419.4 (MANE Select); coding-DNA position 2446, A replaced by C.
Protein change: p.Met816Leu; replaces methionine 816 with leucine.
Molecular consequence: missense variant. On other transcripts: 3 prime UTR variant (1).
Genome position (GRCh38, 1-based): chr12:56,343,499, T>G on the plus strand (A>C on the coding strand, the complement: STAT2 is on the minus strand). VCF-style: chr12-56343499-T-G. GRCh37 (hg19) VCF-style: chr12-56737283-T-G.
Other names: c.2413A>C, p.Met805Leu (NM_001385110.1); c.2347A>C, p.Met783Leu (NM_001385111.1); c.*15A>C (NM_001385113.1); c.2425A>C, p.Met809Leu (NM_001385114.1); c.2404A>C, p.Met802Leu (NM_001385115.1); c.2434A>C, p.Met812Leu (NM_198332.2); short protein forms M783L, M802L, M805L, M809L, M812L, M816L.
Identifiers: ClinVar variation 2420084 (VCV002420084.4), dbSNP rs773752359, ClinGen allele CA6630248.

ClinVar aggregate classification (germline): Uncertain significance. Review status: criteria provided, multiple submitters, no conflicts (2 of 4 stars). 2 submissions from 2 submitters: Uncertain significance (2). Last evaluated 2024-10-09.

Conditions:
Primary immunodeficiency with post-measles-mumps-rubella vaccine viral infection. Also called: Immunodeficiency 44. Identifiers: Orphanet 431166, MedGen C4225260, MONDO:0014715, OMIM 616636.

Allele frequency attached by ClinVar (database versions not stated): ExAC 0.00001; gnomAD exomes 0.00001; TOPMed 0.00001.
gnomAD v4.1: 17 of 1,614,040 alleles (0.0011%); highest among the groups gnomAD compares: Admixed American, 0.0067%; no homozygotes.

Submissions (2):

Blueprint Genetics
Classification: Uncertain significance. Last evaluated: 2024-10-09. Review status: criteria provided, single submitter. Criteria: ACMG Guidelines, 2015. Collection method: clinical testing. Allele origin: germline.

Labcorp Genetics (formerly Invitae), Labcorp
Classification: Uncertain significance for Primary immunodeficiency with post-measles-mumps-rubella vaccine viral infection. Last evaluated: 2022-08-17. Review status: criteria provided, single submitter. Criteria: Invitae Variant Classification Sherloc (09022015). Collection method: clinical testing. Allele origin: germline.
Comment: This sequence change replaces methionine, which is neutral and non-polar, with leucine, which is neutral and non-polar, at codon 816 of the STAT2 protein (p.Met816Leu). This variant is present in population databases (rs773752359, gnomAD 0.009%). This variant has not been reported in the literature in individuals affected with STAT2-related conditions. Advanced modeling of protein sequence and biophysical properties (such as structural, functional, and spatial information, amino acid conservation, physicochemical variation, residue mobility, and thermodynamic stability) performed at Invitae indicates that this missense variant is not expected to disrupt STAT2 protein function. In summary, the available evidence is currently insufficient to determine the role of this variant in disease. Therefore, it has been classified as a Variant of Uncertain Significance.